The following is an entry in ClinVar:

ClinVar aggregate classification (germline): Uncertain significance (1 of 4 stars; one submission).

Conditions:
Osteogenesis imperfecta type 8 (OI8). Identifiers: MedGen C1970458, MONDO:0012581, OMIM 610915.

Submission:

Labcorp Genetics (formerly Invitae), Labcorp
Classification: Uncertain significance for Osteogenesis imperfecta type 8. Last evaluated: 2023-05-30. Review status: criteria provided, single submitter. Criteria: Invitae Variant Classification Sherloc (09022015). Collection method: clinical testing. Allele origin: germline.
Comment: This sequence change replaces arginine, which is basic and polar, with leucine, which is neutral and non-polar, at codon 610 of the P3H1 protein (p.Arg610Leu). In summary, the available evidence is currently insufficient to determine the role of this variant in disease. Therefore, it has been classified as a Variant of Uncertain Significance. Advanced modeling of protein sequence and biophysical properties (such as structural, functional, and spatial information, amino acid conservation, physicochemical variation, residue mobility, and thermodynamic stability) performed at Invitae indicates that this missense variant is expected to disrupt P3H1 protein function. ClinVar contains an entry for this variant (Variation ID: 2042767). This variant has not been reported in the literature in individuals affected with P3H1-related conditions. This variant is not present in population databases (gnomAD no frequency).

NM_022356.4(P3H1):c.1829G>T (p.Arg610Leu)

Gene: P3H1 (prolyl 3-hydroxylase 1; minus strand). Cytogenetic location: 1p34.2.
Variant type: single nucleotide variant.
Coding change: c.1829G>T on transcript NM_022356.4 (MANE Select); coding-DNA position 1829, G replaced by T.
Protein change: p.Arg610Leu; replaces arginine 610 with leucine.
Molecular consequence: missense variant.
Genome position (GRCh38, 1-based): chr1:42,748,209, C>A on the plus strand (G>T on the coding strand, the complement: P3H1 is on the minus strand). VCF-style: chr1-42748209-C-A. GRCh37 (hg19) VCF-style: chr1-43213880-C-A.
Other names: c.1829G>T, p.Arg610Leu (NM_001146289.2, NM_001243246.2); short protein forms R610L.
Identifiers: ClinVar variation 2042767 (VCV002042767.4), dbSNP rs538936362, ClinGen allele CA339954069.